The following is an entry in ClinVar:

ClinVar aggregate classification (germline): Uncertain significance. Review status: criteria provided, single submitter (1 of 4 stars). 2 submissions from 2 submitters: Uncertain significance (1). 1 of the submissions does not count toward it. Last evaluated 2022-08-23.

Conditions:
Epilepsy, familial adult myoclonic, 5 (EPEO5). Also called: CORTICAL MYOCLONIC TREMOR WITH EPILEPSY, FAMILIAL, 5. Identifiers: Orphanet 86814, MedGen C3809374, MONDO:0014167, OMIM 615400.
CNTN2-related disorder. Also called: CNTN2-related condition.

Allele frequency attached by ClinVar (database versions not stated): gnomAD 0.00003; TOPMed 0.00011.
gnomAD v4.1: 224 of 1,612,916 alleles (0.014%); highest among the groups gnomAD compares: Non-Finnish European, 0.017%; 1 homozygote.

Submissions (2):

Labcorp Genetics (formerly Invitae), Labcorp
Classification: Uncertain significance for Epilepsy, familial adult myoclonic, 5. Last evaluated: 2022-08-23. Review status: criteria provided, single submitter. Criteria: Invitae Variant Classification Sherloc (09022015). Collection method: clinical testing. Allele origin: germline.
Comment: This sequence change falls in intron 3 of the CNTN2 gene. It does not directly change the encoded amino acid sequence of the CNTN2 protein. It affects a nucleotide within the consensus splice site. This variant is present in population databases (rs370377460, gnomAD 0.01%). This variant has not been reported in the literature in individuals affected with CNTN2-related conditions. ClinVar contains an entry for this variant (Variation ID: 541410). Variants that disrupt the consensus splice site are a relatively common cause of aberrant splicing (PMID: 17576681, 9536098). Algorithms developed to predict the effect of sequence changes on RNA splicing suggest that this variant is not likely to affect RNA splicing. In summary, the available evidence is currently insufficient to determine the role of this variant in disease. Therefore, it has been classified as a Variant of Uncertain Significance.

PreventionGenetics, part of Exact Sciences
Classification: Likely benign for CNTN2-related condition. Last evaluated: 2019-03-08. Review status: no assertion criteria provided. Collection method: clinical testing. Allele origin: germline. Not counted in ClinVar's aggregate classification.
Comment: This variant is classified as likely benign based on ACMG/AMP sequence variant interpretation guidelines (Richards et al. 2015 PMID: 25741868, with internal and published modifications).

Literature cited by the submitters: PubMed 17576681 (cited by Labcorp Genetics (formerly Invitae), Labcorp); PubMed 9536098 (cited by Labcorp Genetics (formerly Invitae), Labcorp).

NM_005076.5(CNTN2):c.215+6G>C

Gene: CNTN2 (contactin 2; plus strand). Cytogenetic location: 1q32.1.
Variant type: single nucleotide variant.
Coding change: c.215+6G>C on transcript NM_005076.5 (MANE Select); 6 bases into the intron after coding-DNA position 215, G replaced by C.
Molecular consequence: intron variant.
Genome position (GRCh38, 1-based): chr1:205,058,071, G>C. VCF-style: chr1-205058071-G-C. GRCh37 (hg19) VCF-style: chr1-205027199-G-C.
Other names: c.215+6G>C (NM_001346083.2, NM_005076.4).
Identifiers: ClinVar variation 541410 (VCV000541410.7), dbSNP rs370377460, ClinGen allele CA1350954.